The following is an entry in ClinVar:

ClinVar aggregate classification (germline): Uncertain significance (1 of 4 stars; one submission).

Submission:

Ambry Genetics
Classification: Uncertain significance. Last evaluated: 2023-03-02. Review status: criteria provided, single submitter. Criteria: Ambry Variant Classification Scheme 2023. Collection method: clinical testing. Allele origin: germline.
Comment: The p.S1366F variant (also known as c.4097C>T), located in coding exon 16 of the POLQ gene, results from a C to T substitution at nucleotide position 4097. The serine at codon 1366 is replaced by phenylalanine, an amino acid with highly dissimilar properties. This amino acid position is conserved. In addition, this alteration is predicted to be tolerated by in silico analysis. Since supporting evidence is limited at this time, the clinical significance of this alteration remains unclear.

NM_199420.4(POLQ):c.4097C>T (p.Ser1366Phe)

Gene: POLQ (DNA polymerase theta; minus strand). Cytogenetic location: 3q13.33.
Variant type: single nucleotide variant.
Coding change: c.4097C>T on transcript NM_199420.4 (MANE Select); coding-DNA position 4097, C replaced by T.
Protein change: p.Ser1366Phe; replaces serine 1366 with phenylalanine.
Molecular consequence: missense variant.
Genome position (GRCh38, 1-based): chr3:121,488,834, G>A on the plus strand (C>T on the coding strand, the complement: POLQ is on the minus strand). VCF-style: chr3-121488834-G-A. GRCh37 (hg19) VCF-style: chr3-121207681-G-A.
Other names: short protein forms S1366F.
Identifiers: ClinVar variation 2449044 (VCV002449044.2), dbSNP rs2048037752, ClinGen allele CA354096183.